The following is an entry in ClinVar:

NM_001365276.2(TNXB):c.2857G>T (p.Ala953Ser)

Gene: TNXB (tenascin XB; minus strand). Cytogenetic location: 6p21.33.
Variant type: single nucleotide variant.
Coding change: c.2857G>T on transcript NM_001365276.2 (MANE Select); coding-DNA position 2857, G replaced by T.
Protein change: p.Ala953Ser; replaces alanine 953 with serine.
Molecular consequence: missense variant.
Genome position (GRCh38, 1-based): chr6:32,086,041, C>A on the plus strand (G>T on the coding strand, the complement: TNXB is on the minus strand). VCF-style: chr6-32086041-C-A. GRCh37 (hg19) VCF-style: chr6-32053818-C-A.
Other names: c.2857G>T, p.Ala953Ser (NM_019105.8); short protein forms A953S.
Identifiers: ClinVar variation 1796900 (VCV001796900.2), dbSNP rs1779752732, ClinGen allele CA363450513.

ClinVar aggregate classification (germline): Uncertain significance (1 of 4 stars; one submission).

Conditions:
Cardiovascular phenotype. Identifiers: MedGen CN230736.

gnomAD v4.1: 1 of 1,603,456 alleles (0.000062%); highest among the groups gnomAD compares: Non-Finnish European, 0.000085%; no homozygotes.

Submission:

Ambry Genetics
Classification: Uncertain significance for Cardiovascular phenotype. Last evaluated: 2021-06-23. Review status: criteria provided, single submitter. Criteria: Ambry Variant Classification Scheme 2023. Collection method: clinical testing. Allele origin: germline.
Comment: The p.A953S variant (also known as c.2857G>T), located in coding exon 6 of the TNXB gene, results from a G to T substitution at nucleotide position 2857. The alanine at codon 953 is replaced by serine, an amino acid with similar properties. This amino acid position is conserved. In addition, this alteration is predicted to be tolerated by in silico analysis. Since supporting evidence is limited at this time, the clinical significance of this alteration remains unclear.